The following is an entry in ClinVar:

NM_001261826.3(AP3D1):c.2719G>A (p.Glu907Lys)

Gene: AP3D1 (adaptor related protein complex 3 subunit delta 1; minus strand). Cytogenetic location: 19p13.3.
Variant type: single nucleotide variant.
Coding change: c.2719G>A on transcript NM_001261826.3 (MANE Select); coding-DNA position 2719, G replaced by A.
Protein change: p.Glu907Lys; replaces glutamic acid 907 with lysine.
Molecular consequence: missense variant. On other transcripts: intron variant (1).
Genome position (GRCh38, 1-based): chr19:2,112,928, C>T on the plus strand (G>A on the coding strand, the complement: AP3D1 is on the minus strand). VCF-style: chr19-2112928-C-T. GRCh37 (hg19) VCF-style: chr19-2112927-C-T.
Other names: c.2683G>A, p.Glu895Lys (NM_001374799.1); c.2602-1100G>A (NM_003938.8); short protein forms E895K, E907K.
Identifiers: ClinVar variation 2187789 (VCV002187789.4), dbSNP rs778886970, ClinGen allele CA9058754.

ClinVar aggregate classification (germline): Uncertain significance (1 of 4 stars; one submission).

Allele frequency attached by ClinVar (database versions not stated): ExAC 0.00002; gnomAD 0.00002; gnomAD exomes 0.00002; TOPMed 0.00003.
gnomAD v4.1: 30 of 1,613,280 alleles (0.0019%); highest among the groups gnomAD compares: Middle Eastern, 0.05%; no homozygotes.

Submission:

Labcorp Genetics (formerly Invitae), Labcorp
Classification: Uncertain significance. Last evaluated: 2025-12-01. Review status: criteria provided, single submitter. Criteria: Invitae Variant Classification Sherloc (09022015). Collection method: clinical testing. Allele origin: germline.
Comment: This sequence change replaces glutamic acid, which is acidic and polar, with lysine, which is basic and polar, at codon 907 of the AP3D1 protein (p.Glu907Lys). This variant is present in population databases (rs778886970, gnomAD 0.003%). This variant has not been reported in the literature in individuals affected with AP3D1-related conditions. ClinVar contains an entry for this variant (Variation ID: 2187789). An algorithm developed to predict the effect of missense changes on protein structure and function (PolyPhen-2) suggests that this variant is likely to be tolerated. In summary, the available evidence is currently insufficient to determine the role of this variant in disease. Therefore, it has been classified as a Variant of Uncertain Significance.